The following is an entry in ClinVar:

NM_000712.4(BLVRA):c.814G>A (p.Ala272Thr)

Gene: BLVRA (biliverdin reductase A; plus strand). Cytogenetic location: 7p13.
Variant type: single nucleotide variant.
Coding change: c.814G>A on transcript NM_000712.4 (MANE Select); coding-DNA position 814, G replaced by A.
Protein change: p.Ala272Thr; replaces alanine 272 with threonine.
Molecular consequence: missense variant.
Genome position (GRCh38, 1-based): chr7:43,807,158, G>A. VCF-style: chr7-43807158-G-A. GRCh37 (hg19) VCF-style: chr7-43846757-G-A.
Other names: c.814G>A, p.Ala272Thr (NM_001253823.2); c.814G>A (NM_000712.3); short protein forms A272T.
Identifiers: ClinVar variation 2044158 (VCV002044158.5), dbSNP rs556754637, ClinGen allele CA4234190.
Genomic context (GRCh38, chr7:43,807,158, plus strand): 5'-CTGAAAGATCAAAATATATTTGTCCAGAAACTCTTGGGCCAGTTCTCTGAGAAGGAACTG[G>A]CTGCTGAAAAGAAACGCATCCTGCACTGCCTGGGGCTTGCAGAAGAAATCCAGAAATATT-3'
Protein context (NP_000703.2, residues 262-282): LLGQFSEKEL[Ala272Thr]AEKKRILHCL

ClinVar aggregate classification (germline): Benign. Review status: criteria provided, multiple submitters, no conflicts (2 of 4 stars). 2 submissions from 2 submitters: Benign (2). Last evaluated 2026-02-11.

Conditions:
BLVRA-related disorder. Also called: BLVRA-related condition.

Allele frequency attached by ClinVar (database versions not stated): TOPMed 0.00007; gnomAD 0.00077; gnomAD exomes 0.00142; ExAC 0.00346; 1000 Genomes Project 30x 0.00562; 1000 Genomes Project 0.00579.
gnomAD v4.1: 2,179 of 1,613,850 alleles (0.14%); highest among the groups gnomAD compares: South Asian, 2.3%; 39 homozygotes.

Submissions (2):

PreventionGenetics, part of Exact Sciences
Classification: Benign for BLVRA-related condition. Last evaluated: 2026-02-11. Review status: criteria provided, single submitter. Criteria: ACMG Guidelines, 2015. Collection method: clinical testing. Allele origin: germline.
Comment: This variant is classified as benign based on ACMG/AMP sequence variant interpretation guidelines (Richards et al. 2015 PMID: 25741868, with internal and published modifications).

Labcorp Genetics (formerly Invitae), Labcorp
Classification: Benign. Last evaluated: 2024-02-04. Review status: criteria provided, single submitter. Criteria: Invitae Variant Classification Sherloc (09022015). Collection method: clinical testing. Allele origin: germline.